The following is an entry in ClinVar:

NM_133444.3(ZNF526):c.1307del (p.Pro436fs)

Gene: ZNF526 (zinc finger protein 526; plus strand). Cytogenetic location: 19q13.2.
Variant type: Deletion.
Coding change: c.1307del on transcript NM_133444.3 (MANE Select); coding-DNA position 1307, one base deleted (C; older notation c.1307delC).
Protein change: p.Pro436fs; shifts the reading frame from proline 436.
Molecular consequence: frameshift variant.
Genome position (GRCh38, 1-based): chr19:42,225,710, C deleted; the last of 5 consecutive C bases (chr19:42,225,706-42,225,710); deleting any one gives the same sequence. VCF-style (leftmost placement, unchanged base first): chr19-42225705-AC-A. GRCh37 (hg19) VCF-style: chr19-42729857-AC-A.
Other names: c.1307del, p.Pro436fs (NM_001314033.3); short protein forms P436fs.
Identifiers: ClinVar variation 4853902 (VCV004853902.1).
Genomic context (GRCh38, chr19:42,225,705, plus strand): 5'-GGCACCTCCCACAGGAGCAACAGCTCCCCCAGCTCCAGCGGAGCCCACCCCTCCACCACC[AC>A]CCCCTGCCCCACCTGCCCAGCTGCCCTGCCCACAGTGCTCCAAGTCCTTTGCCTCAGCTT-3'

ClinVar aggregate classification (germline): Likely pathogenic (1 of 4 stars; one submission).

Conditions:
Dentici-Novelli neurodevelopmental syndrome. Identifiers: MedGen C5676987, MONDO:0859251, OMIM 619877.

Submission:

3billion
Classification: Likely pathogenic for Dentici-Novelli neurodevelopmental syndrome. Last evaluated: 2025-06-11. Review status: criteria provided, single submitter. Criteria: ACMG Guidelines, 2015. Collection method: clinical testing. Allele origin: germline. Affected: yes.
Comment: The variant is not observed in the gnomAD v4.1.0 dataset. Predicted Consequence/Location: Frameshift: predicted to result in a loss or disruption of normal protein function through protein truncation. The predicted truncated protein may be shortened by more than 10%. Therefore, this variant is classified as Likely pathogenic according to the recommendation of ACMG/AMP guideline.